The following is an entry in ClinVar:

NM_003107.3(SOX4):c.1239C>G (p.Asn413Lys)

Gene: SOX4 (SRY-box transcription factor 4; plus strand). Cytogenetic location: 6p22.3.
Variant type: single nucleotide variant.
Coding change: c.1239C>G on transcript NM_003107.3 (MANE Select); coding-DNA position 1239, C replaced by G.
Protein change: p.Asn413Lys; replaces asparagine 413 with lysine.
Molecular consequence: missense variant.
Genome position (GRCh38, 1-based): chr6:21,595,773, C>G. VCF-style: chr6-21595773-C-G. GRCh37 (hg19) VCF-style: chr6-21596004-C-G.
Other names: short protein forms N413K.
Identifiers: ClinVar variation 2576707 (VCV002576707.1), dbSNP rs202138038, ClinGen allele CA363272221.
Genomic context (GRCh38, chr6:21,595,773, plus strand): 5'-CTCCTCGTCCTCCGACGACGAGTTCGAAGACGACCTGCTCGACCTGAACCCCAGCTCAAA[C>G]TTTGAGAGCATGTCCCTGGGCAGCTTCAGTTCGTCGTCGGCGCTCGACCGGGACCTGGAT-3'
Protein context (NP_003098.1, residues 403-423): DDLLDLNPSS[Asn413Lys]FESMSLGSFS

ClinVar aggregate classification (germline): Uncertain significance (1 of 4 stars; one submission).

gnomAD v4.1: 1 of 1,613,500 alleles (0.000062%); highest among the groups gnomAD compares: Non-Finnish European, 0.000085%; no homozygotes.

Submission:

GeneDx
Classification: Uncertain significance. Last evaluated: 2023-02-19. Review status: criteria provided, single submitter. Criteria: GeneDx Variant Classification Process June 2021. Collection method: clinical testing. Allele origin: germline. Affected: yes.
Comment: Not observed at significant frequency in large population cohorts (gnomAD); In silico analysis supports that this missense variant does not alter protein structure/function; Has not been previously published as pathogenic or benign to our knowledge